The following is an entry in ClinVar:

ClinVar aggregate classification (germline): Uncertain significance (1 of 4 stars; one submission).

Conditions:
Bethlem myopathy 1A. Also called: Bethlem myopathy 1; Bethlem Muscular Dystrophy; MYOPATHY, BENIGN CONGENITAL, WITH CONTRACTURES. Identifiers: Orphanet 610, MedGen CN029274, MONDO:0024530, OMIM 158810.

Submission:

Labcorp Genetics (formerly Invitae), Labcorp
Classification: Uncertain significance for Bethlem myopathy 1A. Last evaluated: 2023-11-27. Review status: criteria provided, single submitter. Criteria: Invitae Variant Classification Sherloc (09022015). Collection method: clinical testing. Allele origin: germline.
Comment: This sequence change replaces alanine, which is neutral and non-polar, with valine, which is neutral and non-polar, at codon 463 of the COL6A3 protein (p.Ala463Val). This variant is not present in population databases (gnomAD no frequency). This variant has not been reported in the literature in individuals affected with COL6A3-related conditions. ClinVar contains an entry for this variant (Variation ID: 1369803). Advanced modeling of protein sequence and biophysical properties (such as structural, functional, and spatial information, amino acid conservation, physicochemical variation, residue mobility, and thermodynamic stability) performed at Invitae indicates that this missense variant is not expected to disrupt COL6A3 protein function with a negative predictive value of 95%. In summary, the available evidence is currently insufficient to determine the role of this variant in disease. Therefore, it has been classified as a Variant of Uncertain Significance.

NM_004369.4(COL6A3):c.1388C>T (p.Ala463Val)

Gene: COL6A3 (collagen type VI alpha 3 chain; minus strand). Cytogenetic location: 2q37.3.
Variant type: single nucleotide variant.
Coding change: c.1388C>T on transcript NM_004369.4 (MANE Select); coding-DNA position 1388, C replaced by T.
Protein change: p.Ala463Val; replaces alanine 463 with valine.
Molecular consequence: missense variant.
Genome position (GRCh38, 1-based): chr2:237,381,424, G>A on the plus strand (C>T on the coding strand, the complement: COL6A3 is on the minus strand). VCF-style: chr2-237381424-G-A. GRCh37 (hg19) VCF-style: chr2-238290067-G-A.
Other names: c.167C>T, p.Ala56Val (NM_057164.5, NM_057166.5); c.770C>T, p.Ala257Val (NM_057165.5, NM_057167.4); short protein forms A463V, A56V, A257V.
Identifiers: ClinVar variation 1369803 (VCV001369803.8), dbSNP rs2106370357, ClinGen allele CA351218291.